The following is an entry in ClinVar:

NM_001244008.2(KIF1A):c.430-3C>A

Gene: KIF1A (kinesin family member 1A; minus strand). Cytogenetic location: 2q37.3.
Variant type: single nucleotide variant.
Coding change: c.430-3C>A on transcript NM_001244008.2 (MANE Select); 3 bases into the intron before coding-DNA position 430, C replaced by A.
Molecular consequence: intron variant.
Genome position (GRCh38, 1-based): chr2:240,786,516, G>T on the plus strand (C>A on the coding strand, the complement: KIF1A is on the minus strand). VCF-style: chr2-240786516-G-T. GRCh37 (hg19) VCF-style: chr2-241725933-G-T.
Other names: c.430-3C>A (NM_001379653.1, NM_001379650.1, NM_001379645.1 and 20 more transcripts).
Identifiers: ClinVar variation 2051632 (VCV002051632.4), dbSNP rs2538355115, ClinGen allele CA2580068086.

ClinVar aggregate classification (germline): Uncertain significance (1 of 4 stars; one submission).

Conditions:
Hereditary spastic paraplegia 30. Identifiers: Orphanet 101010, MedGen C5235139, MONDO:0012476.
Neuropathy, hereditary sensory, type 2C. Also called: Hereditary sensory and autonomic neuropathy type IIC; KIF1A-Related HSAN2 (HSAN2C). Identifiers: Orphanet 970, MedGen C3280168, MONDO:0013634, OMIM 614213.
Intellectual disability, autosomal dominant 9 (NESCAVS). Also called: NESCAV SYNDROME; KIF1A-Related Neurodevelopmental Disorder. Identifiers: Orphanet 662367, MedGen C5393830, MONDO:0013656, OMIM 614255.

Submission:

Labcorp Genetics (formerly Invitae), Labcorp
Classification: Uncertain significance for Hereditary spastic paraplegia 30; Neuropathy, hereditary sensory, type 2C; Intellectual disability, autosomal dominant 9. Last evaluated: 2023-10-03. Review status: criteria provided, single submitter. Criteria: Invitae Variant Classification Sherloc (09022015). Collection method: clinical testing. Allele origin: germline.
Comment: This sequence change falls in intron 4 of the KIF1A gene. It does not directly change the encoded amino acid sequence of the KIF1A protein. It affects a nucleotide within the consensus splice site. This variant is not present in population databases (gnomAD no frequency). This variant has not been reported in the literature in individuals affected with KIF1A-related conditions. ClinVar contains an entry for this variant (Variation ID: 2051632). Variants that disrupt the consensus splice site are a relatively common cause of aberrant splicing (PMID: 17576681, 9536098). Algorithms developed to predict the effect of sequence changes on RNA splicing suggest that this variant may create or strengthen a splice site. In summary, the available evidence is currently insufficient to determine the role of this variant in disease. Therefore, it has been classified as a Variant of Uncertain Significance.

Literature cited by the submitters: PubMed 17576681; PubMed 9536098.